The following is an entry in ClinVar:

ClinVar aggregate classification (germline): Benign (1 of 4 stars; one submission).

Allele frequency attached by ClinVar (database versions not stated): gnomAD 0.01004; 1000 Genomes Project 0.00439; 1000 Genomes Project 30x 0.00468; TOPMed 0.00896.
gnomAD v4.1: 1,464 of 151,374 alleles (0.97%); highest among the groups gnomAD compares: Non-Finnish European, 1.5%; 10 homozygotes.

Submission:

CeGaT Center for Human Genetics Tuebingen
Classification: Benign. Last evaluated: 2026-09-01. Review status: criteria provided, single submitter. Criteria: CeGaT Center For Human Genetics Tuebingen Variant Classification Criteria Version 2. Collection method: clinical testing. Allele origin: germline. Affected: yes. Observed: 63 variant alleles.
Comment: BRAF: BS1, BS2

NM_004333.6(BRAF):c.1314+475C>T

Gene: BRAF (B-Raf proto-oncogene, serine/threonine kinase; minus strand). Cytogenetic location: 7q34.
Variant type: single nucleotide variant.
Coding change: c.1314+475C>T on transcript NM_004333.6 (MANE Select); 475 bases into the intron after coding-DNA position 1314, C replaced by T.
Molecular consequence: intron variant.
Genome position (GRCh38, 1-based): chr7:140,782,546, G>A on the plus strand (C>T on the coding strand, the complement: BRAF is on the minus strand). VCF-style: chr7-140782546-G-A. GRCh37 (hg19) VCF-style: chr7-140482346-G-A.
Other names: c.1314+475C>T (NM_001378474.1, NM_001378468.1, NM_001354609.2); c.1212+475C>T (NM_001378470.1); c.1050+475C>T (NM_001378475.1); c.1203+475C>T (NM_001378471.1); c.1434+475C>T (NM_001374258.1, NM_001374244.1); c.1323+475C>T (NM_001378467.1); c.1158+475C>T (NM_001378472.1, NM_001378473.1); c.1248+475C>T (NM_001378469.1).
Identifiers: ClinVar variation 1701536 (VCV001701536.31), dbSNP rs186563964, ClinGen allele CA168091257.
Genomic context (GRCh38, chr7:140,782,546, plus strand): 5'-TATAAAATTACTTTGGTAGGGTAAAAGATCCTCTTATTCAACAATTAGTAGCAATACTAC[G>A]GCTAAACAGTATTCGTTTTTTATTTTTAAATTTTACTTTAAGTTCTGGGATACATGTGCA-3'